The following is an entry in ClinVar:

NM_001166108.2(PALLD):c.3128C>A (p.Pro1043Gln)

Genes: CBR4 (carbonyl reductase 4; minus strand), PALLD (palladin, cytoskeletal associated protein; plus strand). Cytogenetic location: 4q32.3.
Variant type: single nucleotide variant.
Coding change: c.3128C>A on transcript NM_001166108.2 (MANE Select); coding-DNA position 3128, C replaced by A.
Protein change: p.Pro1043Gln; replaces proline 1043 with glutamine.
Molecular consequence: missense variant.
Genome position (GRCh38, 1-based): chr4:168,924,324, C>A. VCF-style: chr4-168924324-C-A. GRCh37 (hg19) VCF-style: chr4-169845475-C-A.
Other names: c.1931C>A, p.Pro644Gln (NM_001166109.2); c.1616C>A, p.Pro539Gln (NM_001166110.2); c.956C>A, p.Pro319Gln (NM_001367567.1, NM_001367569.1); c.1007C>A, p.Pro336Gln (NM_001367568.1, NM_001367570.1); c.3077C>A, p.Pro1026Gln (NM_016081.4); short protein forms P1043Q, P336Q, P644Q, P1026Q, P319Q, P539Q.
Identifiers: ClinVar variation 2625553 (VCV002625553.2), dbSNP rs763925511, ClinGen allele CA358712133.

ClinVar aggregate classification (germline): Uncertain significance (1 of 4 stars; one submission).

Submission:

Ambry Genetics
Classification: Uncertain significance. Last evaluated: 2023-07-12. Review status: criteria provided, single submitter. Criteria: Ambry Variant Classification Scheme 2023. Collection method: clinical testing. Allele origin: germline.
Comment: The p.P1026Q variant (also known as c.3077C>A), located in coding exon 17 of the PALLD gene, results from a C to A substitution at nucleotide position 3077. The proline at codon 1026 is replaced by glutamine, an amino acid with similar properties. This amino acid position is conserved. In addition, this alteration is predicted to be deleterious by in silico analysis. Since supporting evidence is limited at this time, the clinical significance of this alteration remains unclear.